The following is an entry in ClinVar:

NM_002880.4(RAF1):c.1896G>T (p.Glu632Asp)

Gene: RAF1 (Raf-1 proto-oncogene, serine/threonine kinase; minus strand). Cytogenetic location: 3p25.2.
Variant type: single nucleotide variant.
Coding change: c.1896G>T on transcript NM_002880.4 (MANE Select); coding-DNA position 1896, G replaced by T.
Protein change: p.Glu632Asp; replaces glutamic acid 632 with aspartic acid.
Molecular consequence: missense variant. On other transcripts: non-coding transcript variant (3).
Genome position (GRCh38, 1-based): chr3:12,584,565, C>A on the plus strand (G>T on the coding strand, the complement: RAF1 is on the minus strand). VCF-style: chr3-12584565-C-A. GRCh37 (hg19) VCF-style: chr3-12626064-C-A.
Other names: c.1956G>T, p.Glu652Asp (NM_001354689.3); c.1896G>T, p.Glu632Asp (NM_001354690.3); c.1653G>T, p.Glu551Asp (NM_001354691.3, NM_001354692.3); c.1797G>T, p.Glu599Asp (NM_001354693.3); c.1713G>T, p.Glu571Asp (NM_001354694.3); c.1554G>T, p.Glu518Asp (NM_001354695.3); short protein forms E518D, E551D, E571D, E599D, E632D, E652D.
Identifiers: ClinVar variation 3346883 (VCV003346883.1).

ClinVar aggregate classification (germline): Uncertain significance (0 of 4 stars; one submission).

Conditions:
RAF1-related disorder. Also called: RAF1-related disorders; RAF1-related condition.

Submission:

PreventionGenetics, part of Exact Sciences
Classification: Uncertain significance for RAF1-related condition. Last evaluated: 2024-08-21. Review status: no assertion criteria provided. Collection method: clinical testing. Allele origin: germline.
Comment: The RAF1 c.1896G>T variant is predicted to result in the amino acid substitution p.Glu632Asp. To our knowledge, this variant has not been reported in the literature or in a large population database, indicating this variant is rare. At this time, the clinical significance of this variant is uncertain due to the absence of conclusive functional and genetic evidence.